The following is an entry in ClinVar:

NM_007194.4(CHEK2):c.1381G>A (p.Asp461Asn)

Gene: CHEK2 (checkpoint kinase 2; minus strand). Cytogenetic location: 22q12.1.
Variant type: single nucleotide variant.
Coding change: c.1381G>A on transcript NM_007194.4 (MANE Select); coding-DNA position 1381, G replaced by A.
Protein change: p.Asp461Asn; replaces aspartic acid 461 with asparagine.
Molecular consequence: missense variant.
Genome position (GRCh38, 1-based): chr22:28,694,112, C>T on the plus strand (G>A on the coding strand, the complement: CHEK2 is on the minus strand). VCF-style: chr22-28694112-C-T. GRCh37 (hg19) VCF-style: chr22-29090100-C-T.
Other names: c.1510G>A, p.Asp504Asn (NM_001005735.3); c.718G>A, p.Asp240Asn (NM_001257387.3); c.1180G>A, p.Asp394Asn (NM_001349956.3); c.1294G>A, p.Asp432Asn (NM_145862.3); short protein forms D461N, D240N, D394N, D432N, D504N.
Identifiers: ClinVar variation 1771298 (VCV001771298.8), dbSNP rs2052473783, ClinGen allele CA411094534.

ClinVar aggregate classification (germline): Uncertain significance. Review status: criteria provided, multiple submitters, no conflicts (2 of 4 stars). 2 submissions from 2 submitters: Uncertain significance (2). Last evaluated 2022-10-31.

Conditions:
Hereditary cancer-predisposing syndrome. Also called: Hereditary Cancer Syndrome; Hereditary neoplastic syndrome; Neoplastic Syndromes, Hereditary; Tumor predisposition. Identifiers: Orphanet 140162, MedGen C0027672, MeSH D009386, MONDO:0015356.
Familial cancer of breast. Also called: BREAST CANCER, FAMILIAL; Hereditary breast cancer; hereditary breast carcinoma. Identifiers: Orphanet 227535, MedGen C0346153, MONDO:0016419, OMIM 114480. Disease mechanism: loss of function.

Submissions (2):

Ambry Genetics
Classification: Uncertain significance for Hereditary cancer-predisposing syndrome. Last evaluated: 2022-10-31. Review status: criteria provided, single submitter. Criteria: Ambry Variant Classification Scheme 2023. Collection method: clinical testing. Allele origin: germline.
Comment: The p.D461N variant (also known as c.1381G>A), located in coding exon 12 of the CHEK2 gene, results from a G to A substitution at nucleotide position 1381. The aspartic acid at codon 461 is replaced by asparagine, an amino acid with highly similar properties. This amino acid position is conserved. In addition, this alteration is predicted to be tolerated by in silico analysis. Since supporting evidence is limited at this time, the clinical significance of this alteration remains unclear.

Labcorp Genetics (formerly Invitae), Labcorp
Classification: Uncertain significance for Familial cancer of breast. Last evaluated: 2022-09-09. Review status: criteria provided, single submitter. Criteria: Invitae Variant Classification Sherloc (09022015). Collection method: clinical testing. Allele origin: germline.
Comment: In summary, the available evidence is currently insufficient to determine the role of this variant in disease. Therefore, it has been classified as a Variant of Uncertain Significance. Algorithms developed to predict the effect of missense changes on protein structure and function are either unavailable or do not agree on the potential impact of this missense change (SIFT: "Deleterious"; PolyPhen-2: "Benign"; Align-GVGD: "Class C0"). This variant has not been reported in the literature in individuals affected with CHEK2-related conditions. This variant is not present in population databases (gnomAD no frequency). This sequence change replaces aspartic acid, which is acidic and polar, with asparagine, which is neutral and polar, at codon 461 of the CHEK2 protein (p.Asp461Asn).